The following is an entry in ClinVar:

NM_001134407.3(GRIN2A):c.3250G>A (p.Asp1084Asn)

Gene: GRIN2A (glutamate ionotropic receptor NMDA type subunit 2A; minus strand). Cytogenetic location: 16p13.2.
Variant type: single nucleotide variant.
Coding change: c.3250G>A on transcript NM_001134407.3 (MANE Select); coding-DNA position 3250, G replaced by A.
Protein change: p.Asp1084Asn; replaces aspartic acid 1084 with asparagine.
Molecular consequence: missense variant.
Genome position (GRCh38, 1-based): chr16:9,764,294, C>T on the plus strand (G>A on the coding strand, the complement: GRIN2A is on the minus strand). VCF-style: chr16-9764294-C-T. GRCh37 (hg19) VCF-style: chr16-9858151-C-T.
Other names: c.3250G>A, p.Asp1084Asn (NM_000833.5, NM_001134408.2); short protein forms D1084N.
Identifiers: ClinVar variation 2785789 (VCV002785789.3), dbSNP rs761296880, ClinGen allele CA7896344.

ClinVar aggregate classification (germline): Uncertain significance (1 of 4 stars; one submission).

Conditions:
Landau-Kleffner syndrome (FESD). Also called: EPILEPSY, FOCAL, WITH SPEECH DISORDER AND WITH OR WITHOUT MENTAL RETARDATION; APHASIA, ACQUIRED, WITH EPILEPSY. Identifiers: Orphanet 1945, Orphanet 725, Orphanet 98818, MedGen C0282512, MONDO:0009509, OMIM 245570.

Allele frequency attached by ClinVar (database versions not stated): gnomAD exomes below 0.00001; ExAC 0.00001.
gnomAD v4.1: 2 of 1,613,934 alleles (0.00012%); highest among the groups gnomAD compares: Non-Finnish European, 0.00017%; no homozygotes.

Submission:

Labcorp Genetics (formerly Invitae), Labcorp
Classification: Uncertain significance for Landau-Kleffner syndrome. Last evaluated: 2023-10-28. Review status: criteria provided, single submitter. Criteria: Invitae Variant Classification Sherloc (09022015). Collection method: clinical testing. Allele origin: germline.
Comment: This sequence change replaces aspartic acid, which is acidic and polar, with asparagine, which is neutral and polar, at codon 1084 of the GRIN2A protein (p.Asp1084Asn). This variant is present in population databases (rs761296880, gnomAD 0.0009%). This variant has not been reported in the literature in individuals affected with GRIN2A-related conditions. Advanced modeling of protein sequence and biophysical properties (such as structural, functional, and spatial information, amino acid conservation, physicochemical variation, residue mobility, and thermodynamic stability) performed at Invitae indicates that this missense variant is not expected to disrupt GRIN2A protein function with a negative predictive value of 95%. In summary, the available evidence is currently insufficient to determine the role of this variant in disease. Therefore, it has been classified as a Variant of Uncertain Significance.